The following is an entry in ClinVar:

ClinVar aggregate classification (germline): Uncertain significance (1 of 4 stars; one submission).

Conditions:
Cardiovascular phenotype. Identifiers: MedGen CN230736.

gnomAD v4.1: 1 of 1,609,052 alleles (0.000062%); highest among the groups gnomAD compares: African/African-American, 0.0013%; no homozygotes.

Submission:

Ambry Genetics
Classification: Uncertain significance for Cardiovascular phenotype. Last evaluated: 2025-01-10. Review status: criteria provided, single submitter. Criteria: Ambry Variant Classification Scheme 2023. Collection method: clinical testing. Allele origin: germline.
Comment: The c.18426A>G variant (also known as p.K6142K), located in coding exon 74 of the TTN gene, results from an A to G substitution at nucleotide position 18426. This nucleotide substitution does not change the amino acid at codon 6142. This nucleotide position is well conserved in available vertebrate species. In silico splice site analysis predicts that this alteration may result in the creation or strengthening of a novel splice acceptor site. Based on the available evidence, the clinical significance of this variant remains unclear.

NM_001267550.2(TTN):c.45621A>G (p.Lys15207=)

Gene: TTN (titin; minus strand). Cytogenetic location: 2q31.2.
Variant type: single nucleotide variant.
Coding change: c.45621A>G on transcript NM_001267550.2 (MANE Select); coding-DNA position 45621, A replaced by G.
Protein change: p.Lys15207=; no amino-acid change (lysine 15207 retained).
Molecular consequence: synonymous variant.
Genome position (GRCh38, 1-based): chr2:178,620,989, T>C on the plus strand (A>G on the coding strand, the complement: TTN is on the minus strand). VCF-style: chr2-178620989-T-C. GRCh37 (hg19) VCF-style: chr2-179485716-T-C.
Other names: c.40698A>G, p.Lys13566= (NM_001256850.1); c.18426A>G, p.Lys6142= (NM_003319.4); c.37917A>G, p.Lys12639= (NM_133378.4); c.18801A>G, p.Lys6267= (NM_133432.3); c.19002A>G, p.Lys6334= (NM_133437.4).
Identifiers: ClinVar variation 3812222 (VCV003812222.1).